The following is an entry in ClinVar:

ClinVar aggregate classification (germline): Likely benign (1 of 4 stars; one submission).

Allele frequency attached by ClinVar (database versions not stated): ExAC 0.00006; 1000 Genomes Project 30x 0.00016; ESP Exome Variant Server 0.00016; TOPMed 0.00019; 1000 Genomes Project 0.00020; gnomAD exomes 0.00029.
gnomAD v4.1: 470 of 1,613,620 alleles (0.029%); highest among the groups gnomAD compares: Non-Finnish European, 0.035%; no homozygotes.

Submission:

CeGaT Center for Human Genetics Tuebingen
Classification: Likely benign. Last evaluated: 2024-02-01. Review status: criteria provided, single submitter. Criteria: CeGaT Center For Human Genetics Tuebingen Variant Classification Criteria Version 2. Collection method: clinical testing. Allele origin: germline. Affected: yes. Observed: 1 variant allele.
Comment: DNAH17: BP4, BP7

NM_173628.4(DNAH17):c.7827G>A (p.Thr2609=)

Gene: DNAH17 (dynein axonemal heavy chain 17; minus strand). Cytogenetic location: 17q25.3.
Variant type: single nucleotide variant.
Coding change: c.7827G>A on transcript NM_173628.4 (MANE Select); coding-DNA position 7827, G replaced by A.
Protein change: p.Thr2609=; no amino-acid change (threonine 2609 retained).
Molecular consequence: synonymous variant.
Genome position (GRCh38, 1-based): chr17:78,479,558, C>T on the plus strand (G>A on the coding strand, the complement: DNAH17 is on the minus strand). VCF-style: chr17-78479558-C-T. GRCh37 (hg19) VCF-style: chr17-76475640-C-T.
Identifiers: ClinVar variation 3025760 (VCV003025760.22), dbSNP rs375072159, ClinGen allele CA8802129.